The following is an entry in ClinVar:

NM_022168.4(IFIH1):c.1384T>G (p.Leu462Val)

Gene: IFIH1 (interferon induced with helicase C domain 1; minus strand). Cytogenetic location: 2q24.2.
Variant type: single nucleotide variant.
Coding change: c.1384T>G on transcript NM_022168.4 (MANE Select); coding-DNA position 1384, T replaced by G.
Protein change: p.Leu462Val; replaces leucine 462 with valine.
Molecular consequence: missense variant.
Genome position (GRCh38, 1-based): chr2:162,281,468, A>C on the plus strand (T>G on the coding strand, the complement: IFIH1 is on the minus strand). VCF-style: chr2-162281468-A-C. GRCh37 (hg19) VCF-style: chr2-163137978-A-C.
Other names: c.1384T>G (NM_022168.3, NM_022168.2); short protein forms L462V.
Identifiers: ClinVar variation 1411327 (VCV001411327.10), dbSNP rs2105201962, ClinGen allele CA349002452.

ClinVar aggregate classification (germline): Uncertain significance. Review status: criteria provided, multiple submitters, no conflicts (2 of 4 stars). 3 submissions from 3 submitters: Uncertain significance (2). 1 of the submissions does not count toward it. Last evaluated 2024-12-23.

Conditions:
Inborn genetic diseases. Identifiers: MedGen C0950123, MeSH D030342.
IFIH1-related disorder. Also called: IFIH1-related condition.
Singleton-Merten syndrome 1 (SGMRT1). Also called: Widened medullary cavities of bone, aortic calcification, abnormal dentition, and muscular weakness; Syndrome of widened medullary cavities of the metacarpals and phalanges, aortic calcification and abnormal dentition. Identifiers: Orphanet 85191, MedGen C4225427, MONDO:0024535, OMIM 182250.
Aicardi-Goutieres syndrome 7 (AGS7). Identifiers: Orphanet 51, MedGen C3888244, MONDO:0014367, OMIM 615846.

Allele frequency attached by ClinVar (database versions not stated): gnomAD exomes below 0.00001.
gnomAD v4.1: 1 of 1,612,296 alleles (0.000062%); highest among the groups gnomAD compares: Non-Finnish European, 0.000085%; no homozygotes.

Submissions (3):

Ambry Genetics
Classification: Uncertain significance for Inborn genetic diseases. Last evaluated: 2024-12-23. Review status: criteria provided, single submitter. Criteria: Ambry Variant Classification Scheme 2023. Collection method: clinical testing. Allele origin: germline.

Labcorp Genetics (formerly Invitae), Labcorp
Classification: Uncertain significance for Aicardi-Goutieres syndrome 7; Singleton-Merten syndrome 1. Last evaluated: 2024-05-29. Review status: criteria provided, single submitter. Criteria: Invitae Variant Classification Sherloc (09022015). Collection method: clinical testing. Allele origin: germline.
Comment: This sequence change replaces leucine, which is neutral and non-polar, with valine, which is neutral and non-polar, at codon 462 of the IFIH1 protein (p.Leu462Val). This variant is not present in population databases (gnomAD no frequency). This variant has not been reported in the literature in individuals affected with IFIH1-related conditions. ClinVar contains an entry for this variant (Variation ID: 1411327). Algorithms developed to predict the effect of missense changes on protein structure and function output the following: SIFT: "Not Available"; PolyPhen-2: "Benign"; Align-GVGD: "Not Available". The valine amino acid residue is found in multiple mammalian species, which suggests that this missense change does not adversely affect protein function. In summary, the available evidence is currently insufficient to determine the role of this variant in disease. Therefore, it has been classified as a Variant of Uncertain Significance.

PreventionGenetics, part of Exact Sciences
Classification: Uncertain significance for IFIH1-related condition. Last evaluated: 2024-08-02. Review status: no assertion criteria provided. Collection method: clinical testing. Allele origin: germline. Not counted in ClinVar's aggregate classification.
Comment: The IFIH1 c.1384T>G variant is predicted to result in the amino acid substitution p.Leu462Val. To our knowledge, this variant has not been reported in the literature or in gnomAD, indicating this variant is rare. At this time, the clinical significance of this variant is uncertain due to the absence of conclusive functional and genetic evidence.